The following is an entry in ClinVar:

NM_004991.4(MECOM):c.2409C>T (p.Ser803=)

Gene: MECOM (MDS1 and EVI1 complex locus; minus strand). Cytogenetic location: 3q26.2.
Variant type: single nucleotide variant.
Coding change: c.2409C>T on transcript NM_004991.4 (MANE Select); coding-DNA position 2409, C replaced by T.
Protein change: p.Ser803=; no amino-acid change (serine 803 retained).
Molecular consequence: synonymous variant.
Genome position (GRCh38, 1-based): chr3:169,115,463, G>A on the plus strand (C>T on the coding strand, the complement: MECOM is on the minus strand). VCF-style: chr3-169115463-G-A. GRCh37 (hg19) VCF-style: chr3-168833251-G-A.
Other names: c.2040C>T, p.Ser680= (NM_001105077.4); c.1845C>T, p.Ser615= (NM_001105078.4, NM_001164000.2, NM_001205194.2 and 4 more transcripts); c.1848C>T, p.Ser616= (NM_001163999.2, NM_001366467.2, NM_001366468.2 and 1 more transcripts); c.2409C>T, p.Ser803= (NM_001366466.2); c.1437C>T, p.Ser479= (NM_001366473.2); c.873C>T, p.Ser291= (NM_001366474.2); c.2409C>T (NM_004991.3).
Identifiers: ClinVar variation 2064721 (VCV002064721.30), dbSNP rs141957464, ClinGen allele CA2696183.

ClinVar aggregate classification (germline): Benign/Likely benign. Review status: criteria provided, multiple submitters, no conflicts (2 of 4 stars). 4 submissions from 4 submitters: Benign (1); Likely benign (3). Last evaluated 2025-10-23.

Conditions:
Inborn genetic diseases. Identifiers: MedGen C0950123, MeSH D030342.

Allele frequency attached by ClinVar (database versions not stated): TOPMed 0.00013; gnomAD 0.00016; ESP Exome Variant Server 0.00038.
gnomAD v4.1: 399 of 1,614,022 alleles (0.025%); highest among the groups gnomAD compares: South Asian, 0.18%; 3 homozygotes.

Submissions (4):

Labcorp Genetics (formerly Invitae), Labcorp
Classification: Benign. Last evaluated: 2025-10-23. Review status: criteria provided, single submitter. Criteria: Invitae Variant Classification Sherloc (09022015). Collection method: clinical testing. Allele origin: germline.

Ambry Genetics
Classification: Likely benign for Inborn genetic diseases. Last evaluated: 2024-10-04. Review status: criteria provided, single submitter. Criteria: Ambry Variant Classification Scheme 2023. Collection method: clinical testing. Allele origin: germline.

Blueprint Genetics
Classification: Likely benign. Last evaluated: 2024-09-01. Review status: criteria provided, single submitter. Criteria: ACMG Guidelines, 2015. Collection method: clinical testing. Allele origin: germline.

CeGaT Center for Human Genetics Tuebingen
Classification: Likely benign. Last evaluated: 2023-02-01. Review status: criteria provided, single submitter. Criteria: CeGaT Center For Human Genetics Tuebingen Variant Classification Criteria Version 2. Collection method: clinical testing. Allele origin: germline. Affected: yes. Observed: 1 variant allele.
Comment: MECOM: BP4, BP7